The following is an entry in ClinVar:

NM_006415.4(SPTLC1):c.1136+14A>T

Gene: SPTLC1 (serine palmitoyltransferase long chain base subunit 1; minus strand). Cytogenetic location: 9q22.31.
Variant type: single nucleotide variant.
Coding change: c.1136+14A>T on transcript NM_006415.4 (MANE Select); 14 bases into the intron after coding-DNA position 1136, A replaced by T.
Molecular consequence: intron variant.
Genome position (GRCh38, 1-based): chr9:92,045,985, T>A on the plus strand (A>T on the coding strand, the complement: SPTLC1 is on the minus strand). VCF-style: chr9-92045985-T-A. GRCh37 (hg19) VCF-style: chr9-94808267-T-A.
Other names: c.1136+14A>T (LRG_272t1, NM_001281303.2); c.770+14A>T (NM_001368272.1); c.671+14A>T (NM_001368273.1).
Identifiers: ClinVar variation 510747 (VCV000510747.8), dbSNP rs746824163, ClinGen allele CA5121308.
Genomic context (GRCh38, chr9:92,045,985, plus strand): 5'-ATTTAAAACTTTCCATTAGTTGTTAAGTGTGGTGCAGATAAACTTTATGTTGGTTGAAAA[T>A]ATATAAAACTCACCCTTGTAAAGCTTTATGAATTTGTCCGCACTTTTCCTTCAACACTGC-3'

ClinVar aggregate classification (germline): Benign/Likely benign. Review status: criteria provided, multiple submitters, no conflicts (2 of 4 stars). 2 submissions from 2 submitters: Benign (1); Likely benign (1). Last evaluated 2025-08-20.

Conditions:
Hereditary sensory and autonomic neuropathy type 1 (HSAN1). Also called: HSAN 1; HSN Type I; Hereditary Sensory Neuropathy Type I. Identifiers: Orphanet 36386, MedGen C0020071, MONDO:0018213.

Allele frequency attached by ClinVar (database versions not stated): TOPMed 0.00007; ExAC 0.00008; gnomAD 0.00003.

Submissions (2):

Labcorp Genetics (formerly Invitae), Labcorp
Classification: Benign for Hereditary sensory and autonomic neuropathy type 1. Last evaluated: 2025-08-20. Review status: criteria provided, single submitter. Criteria: Invitae Variant Classification Sherloc (09022015). Collection method: clinical testing. Allele origin: germline.

GeneDx
Classification: Likely benign. Last evaluated: 2017-07-27. Review status: criteria provided, single submitter. Criteria: GeneDx Variant Classification (06012015). Collection method: clinical testing. Allele origin: germline. Affected: yes.
Comment: This variant is considered likely benign or benign based on one or more of the following criteria: it is a conservative change, it occurs at a poorly conserved position in the protein, it is predicted to be benign by multiple in silico algorithms, and/or has population frequency not consistent with disease.